The following is an entry in ClinVar:

NM_003632.3(CNTNAP1):c.3767_3768del (p.Leu1256fs)

Gene: CNTNAP1 (contactin associated protein 1; plus strand). Cytogenetic location: 17q21.2.
Variant type: Deletion.
Coding change: c.3767_3768del on transcript NM_003632.3 (MANE Select); coding-DNA positions 3767 to 3768, 2 bases deleted (TT; older notation c.3767_3768delTT).
Protein change: p.Leu1256fs; shifts the reading frame from leucine 1256.
Molecular consequence: frameshift variant.
Genome position (GRCh38, 1-based): chr17:42,697,752-42,697,753, TT deleted. VCF-style (leftmost placement, unchanged base first): chr17-42697751-CTT-C. GRCh37 (hg19) VCF-style: chr17-40849769-CTT-C.
Other names: short protein forms L1256fs.
Identifiers: ClinVar variation 1942386 (VCV001942386.5), dbSNP rs2543806145, ClinGen allele CA2580093755.

ClinVar aggregate classification (germline): Pathogenic (1 of 4 stars; one submission).

Submission:

Labcorp Genetics (formerly Invitae), Labcorp
Classification: Pathogenic. Last evaluated: 2022-04-24. Review status: criteria provided, single submitter. Criteria: Invitae Variant Classification Sherloc (09022015). Collection method: clinical testing. Allele origin: germline.
Comment: This variant has not been reported in the literature in individuals affected with CNTNAP1-related conditions. This sequence change creates a premature translational stop signal (p.Leu1256Argfs*7) in the CNTNAP1 gene. It is expected to result in an absent or disrupted protein product. Loss-of-function variants in CNTNAP1 are known to be pathogenic (PMID: 24319099). This variant is not present in population databases (gnomAD no frequency). For these reasons, this variant has been classified as Pathogenic.

Literature cited by the submitters: PubMed 24319099.